The following is an entry in ClinVar:

ClinVar aggregate classification (germline): Benign (1 of 4 stars; one submission).

Allele frequency attached by ClinVar (database versions not stated): 1000 Genomes Project 0.11981; 1000 Genomes Project 30x 0.12430; gnomAD 0.14622 and 0.15001; TOPMed 0.15172.
gnomAD v4.1: 22,157 of 152,026 alleles (15%); highest among the groups gnomAD compares: African/African-American, 18%; 1,730 homozygotes.

Submission:

GeneDx
Classification: Benign. Last evaluated: 2018-06-19. Review status: criteria provided, single submitter. Criteria: GeneDx Variant Classification (06012015). Collection method: clinical testing. Allele origin: germline. Affected: yes.
Comment: This variant is considered likely benign or benign based on one or more of the following criteria: it is a conservative change, it occurs at a poorly conserved position in the protein, it is predicted to be benign by multiple in silico algorithms, and/or has population frequency not consistent with disease.

NM_016203.4(PRKAG2):c.1006-201A>G

Gene: PRKAG2 (protein kinase AMP-activated non-catalytic subunit gamma 2; minus strand). Cytogenetic location: 7q36.1.
Variant type: single nucleotide variant.
Coding change: c.1006-201A>G on transcript NM_016203.4 (MANE Select); 201 bases into the intron before coding-DNA position 1006, A replaced by G.
Molecular consequence: intron variant.
Genome position (GRCh38, 1-based): chr7:151,572,910, T>C on the plus strand (A>G on the coding strand, the complement: PRKAG2 is on the minus strand). VCF-style: chr7-151572910-T-C. GRCh37 (hg19) VCF-style: chr7-151269996-T-C.
Other names: c.874-201A>G (NM_001040633.2); c.631-201A>G (NM_001304527.2); c.634-201A>G (NM_001363698.2); c.283-201A>G (NM_001304531.2, NM_024429.2).
Identifiers: ClinVar variation 674272 (VCV000674272.1), dbSNP rs111720710, ClinGen allele CA12601189.